The following is an entry in ClinVar:

ClinVar aggregate classification (germline): Conflicting classifications of pathogenicity. Review status: criteria provided, conflicting classifications (1 of 4 stars). 2 submissions from 2 submitters: Uncertain significance (1); Likely benign (1). Last evaluated 2025-06-23.

Conditions:
Inborn genetic diseases. Identifiers: MedGen C0950123, MeSH D030342.
Hereditary spastic paraplegia 39 (SPG39). Also called: Spastic Paraplegia Type 39 (SPG39); SPASTIC PARAPLEGIA 39, AUTOSOMAL RECESSIVE. Identifiers: Orphanet 139480, MedGen C2677586, MONDO:0012787, OMIM 612020.

Allele frequency attached by ClinVar (database versions not stated): TOPMed below 0.00001; ExAC 0.00001; gnomAD 0.00001; gnomAD exomes 0.00001; 1000 Genomes Project 30x 0.00016; 1000 Genomes Project 0.00020.
gnomAD v4.1: 14 of 1,613,882 alleles (0.00087%); highest among the groups gnomAD compares: African/African-American, 0.008%; no homozygotes.

Submissions (2):

Labcorp Genetics (formerly Invitae), Labcorp
Classification: Likely benign for Hereditary spastic paraplegia 39. Last evaluated: 2025-06-23. Review status: criteria provided, single submitter. Criteria: Invitae Variant Classification Sherloc (09022015). Collection method: clinical testing. Allele origin: germline.

Ambry Genetics
Classification: Uncertain significance for Inborn genetic diseases. Last evaluated: 2021-08-09. Review status: criteria provided, single submitter. Criteria: Ambry Variant Classification Scheme 2023. Collection method: clinical testing. Allele origin: germline.
Comment: The c.2068-6C>T intronic alteration consists of a C to T substitution 6 nucleotides before exon 21 (coding exon 19) of the PNPLA6 gene. Based on insufficient or conflicting evidence, the clinical significance of this alteration remains unclear.

NM_001166114.2(PNPLA6):c.2185-6C>T

Gene: PNPLA6 (patatin like domain 6, lysophospholipase; plus strand). Cytogenetic location: 19p13.2.
Variant type: single nucleotide variant.
Coding change: c.2185-6C>T on transcript NM_001166114.2 (MANE Select); 6 bases into the intron before coding-DNA position 2185, C replaced by T.
Molecular consequence: intron variant.
Genome position (GRCh38, 1-based): chr19:7,551,356, C>T. VCF-style: chr19-7551356-C-T. GRCh37 (hg19) VCF-style: chr19-7616242-C-T.
Other names: c.2068-6C>T (NM_006702.5, NM_001166113.1); c.1990-6C>T (NM_001166112.2); c.2212-6C>T (NM_001166111.2).
Identifiers: ClinVar variation 2225579 (VCV002225579.5), dbSNP rs564496088, ClinGen allele CA9140028.
Genomic context (GRCh38, chr19:7,551,356, plus strand): 5'-GGAGAGGTGGGACCTGGACAGCCGCTTCCCAGGTCTCACTGAAATGCCGGCCTCCAACGC[C>T]CCCAGGTCGTGACCCGCCTTATCCACCTACTGAGCCAGAAAATTCTAGGGAATTTGCAGC-3'